The following is an entry in ClinVar:

ClinVar aggregate classification (germline): Uncertain significance (1 of 4 stars; one submission).

gnomAD v4.1: 90 of 1,612,654 alleles (0.0056%); highest among the groups gnomAD compares: Non-Finnish European, 0.007%; no homozygotes.

Submission:

Labcorp Genetics (formerly Invitae), Labcorp
Classification: Uncertain significance. Last evaluated: 2024-08-14. Review status: criteria provided, single submitter. Criteria: Invitae Variant Classification Sherloc (09022015). Collection method: clinical testing. Allele origin: germline.
Comment: This sequence change replaces tryptophan, which is neutral and slightly polar, with arginine, which is basic and polar, at codon 50 of the MGP protein (p.Trp50Arg). This variant is present in population databases (rs373434331, gnomAD 0.02%). This variant has not been reported in the literature in individuals affected with MGP-related conditions. An algorithm developed to predict the effect of missense changes on protein structure and function (PolyPhen-2) suggests that this variant is likely to be disruptive. In summary, the available evidence is currently insufficient to determine the role of this variant in disease. Therefore, it has been classified as a Variant of Uncertain Significance.

NM_000900.5(MGP):c.148T>C (p.Trp50Arg)

Gene: MGP (matrix Gla protein; minus strand). Cytogenetic location: 12p12.3.
Variant type: single nucleotide variant.
Coding change: c.148T>C on transcript NM_000900.5 (MANE Select); coding-DNA position 148, T replaced by C.
Protein change: p.Trp50Arg; replaces tryptophan 50 with arginine.
Molecular consequence: missense variant.
Genome position (GRCh38, 1-based): chr12:14,882,994, A>G on the plus strand (T>C on the coding strand, the complement: MGP is on the minus strand). VCF-style: chr12-14882994-A-G. GRCh37 (hg19) VCF-style: chr12-15035928-A-G.
Other names: c.223T>C, p.Trp75Arg (NM_001190839.3); short protein forms W50R, W75R.
Identifiers: ClinVar variation 3668894 (VCV003668894.2).
Genomic context (GRCh38, chr12:14,882,994, plus strand): 5'-GGAAAAATGACCACTCCTCATGAAGTTTTGTTACTGACCTCTCTTGGACTTTAGCTCTCC[A>G]TCTCTGCTGAGGGGATATGAAGGTATTTGCATTTCTCCTGTTAATGAAGGGATCTTAGAA-3'
Protein context (NP_000891.2, residues 40-60): ANTFISPQQR[Trp50Arg]RAKVQERIRE